The following is an entry in ClinVar:

NM_206933.4(USH2A):c.1972-1G>A

Gene: USH2A (usherin; minus strand). Cytogenetic location: 1q41.
Variant type: single nucleotide variant.
Coding change: c.1972-1G>A on transcript NM_206933.4 (MANE Select); the canonical splice acceptor site of the intron before coding-DNA position 1972, G replaced by A.
Molecular consequence: splice acceptor variant.
Genome position (GRCh38, 1-based): chr1:216,251,099, C>T on the plus strand (G>A on the coding strand, the complement: USH2A is on the minus strand). VCF-style: chr1-216251099-C-T. GRCh37 (hg19) VCF-style: chr1-216424441-C-T.
Other names: c.1972-1G>A (NM_007123.6).
Identifiers: ClinVar variation 556200 (VCV000556200.20), dbSNP rs372927796, ClinGen allele CA37503899.
Genomic context (GRCh38, chr1:216,251,099, plus strand): 5'-CTGGCACTGATTGCACTGCCTGCCAGACACGTGTCTCTTACAATTACACTGTCCTCCAAT[C>T]TAGAGAAGATACAACATTTTGTAGAATGATGAACGTATCTATTTTTAGATAATTTGCTCA-3'

ClinVar aggregate classification (germline): Pathogenic/Likely pathogenic. Review status: criteria provided, multiple submitters, no conflicts (2 of 4 stars). 9 submissions from 8 submitters: Pathogenic (4); Likely pathogenic (4). 1 of the submissions does not count toward it. Last evaluated 2025-12-26.

Conditions:
Usher syndrome type 2A. Also called: USHER SYNDROME, TYPE IIA; RETINAL DISEASE IN USHER SYNDROME TYPE IIA, MODIFIER OF. Identifiers: Orphanet 231178, Orphanet 886, MedGen C1848634, MONDO:0010169, OMIM 276901.
Retinitis pigmentosa 39 (RP39). Identifiers: Orphanet 791, MedGen C3151138, MONDO:0013436, OMIM 613809.
USH2A-related disorder. Also called: USH2A-related disorders; USH2A-related condition. Identifiers: MedGen CN239332.

Allele frequency attached by ClinVar (database versions not stated): gnomAD exomes below 0.00001 and 0.00001; gnomAD 0.00003 and 0.00004; TOPMed 0.00003; ESP Exome Variant Server 0.00008.
gnomAD v4.1: 13 of 1,613,718 alleles (0.00081%); highest among the groups gnomAD compares: African/African-American, 0.004%; no homozygotes.

Submissions (9):

Labcorp Genetics (formerly Invitae), Labcorp
Classification: Pathogenic. Last evaluated: 2025-12-26. Review status: criteria provided, single submitter. Criteria: Invitae Variant Classification Sherloc (09022015). Collection method: clinical testing. Allele origin: germline.
Comment: This sequence change affects an acceptor splice site in intron 11 of the USH2A gene. It is expected to disrupt RNA splicing. Variants that disrupt the donor or acceptor splice site typically lead to a loss of protein function (PMID: 16199547), and loss-of-function variants in USH2A are known to be pathogenic (PMID: 10729113, 10909849, 20507924, 25649381). This variant is present in population databases (rs372927796, gnomAD 0.0009%). Disruption of this splice site has been observed in individuals with inherited retinal dystrophy (internal data). ClinVar contains an entry for this variant (Variation ID: 556200). Algorithms developed to predict the effect of sequence changes on RNA splicing suggest that this variant may disrupt the consensus splice site. For these reasons, this variant has been classified as Pathogenic.

GeneDx
Classification: Pathogenic. Last evaluated: 2025-10-21. Review status: criteria provided, single submitter. Criteria: GeneDx Variant Classification Process June 2021. Collection method: clinical testing. Allele origin: germline. Affected: yes.
Comment: Identified in a study to determine genetic prevalence and carrier frequency of autosomal recessive inherited retinal dystrophy in published literature (PMID: 31964843) but additional evidence is not available; Not observed at significant frequency in large population cohorts (gnomAD); Canonical splice site variant predicted to result in a null allele in a gene for which loss of function is a known mechanism of disease; This variant is associated with the following publications: (PMID: 31964843)

PreventionGenetics, part of Exact Sciences
Classification: Pathogenic for USH2A-related condition. Last evaluated: 2025-09-29. Review status: criteria provided, single submitter. Criteria: ACMG Guidelines, 2015. Collection method: clinical testing. Allele origin: germline.
Comment: The USH2A c.1972-1G>A variant is predicted to disrupt the AG splice acceptor site and interfere with normal splicing. To our knowledge, this variant has not been previously reported in the literature in association with disease. However, at PreventionGenetics we have identified this variant, along with a second causative variant in the same gene, in individuals with retinal disease or Usher syndrome (internal data). This variant is reported in 0.00088% of alleles in individuals of European (Non-Finnish) descent in gnomAD. Variants that disrupt the consensus splice acceptor site in USH2A are expected to be pathogenic. This variant is interpreted as pathogenic.

Natera, Inc.
Classification: Likely pathogenic for Usher syndrome type 2A. Last evaluated: 2025-02-19. Review status: criteria provided, single submitter. Criteria: Natera Variant Classification Schema (03/2026). Collection method: clinical testing. Allele origin: germline.
Comment: The c.1972-1G>A variant in USH2A is a canonical splice acceptor site variant predicted to affect pre-mRNA splicing, which may result in an abnormal transcript and altered protein product. This variant is expected to result in nonsense mediated decay, truncation, or a dysfunctional protein product. This variant is rare in the general population with a frequency below the threshold expected for the associated phenotype(s). Given the available evidence, this variant is classified as Likely Pathogenic.

Baylor Genetics
Classification: Likely pathogenic for Retinitis pigmentosa 39. Last evaluated: 2024-03-20. Review status: criteria provided, single submitter. Criteria: ACMG Guidelines, 2015. Collection method: clinical testing. Allele origin: unknown.

Genome-Nilou Lab
Classification: Likely pathogenic for Retinitis pigmentosa 39. Last evaluated: 2023-04-11. Review status: criteria provided, single submitter. Criteria: ACMG Guidelines, 2015. Collection method: clinical testing. Allele origin: germline. Affected: no.

Genome-Nilou Lab
Classification: Likely pathogenic for Usher syndrome type 2A. Last evaluated: 2023-04-11. Review status: criteria provided, single submitter. Criteria: ACMG Guidelines, 2015. Collection method: clinical testing. Allele origin: germline. Affected: no.

Blueprint Genetics
Classification: Pathogenic for USH2A-related disorders. Last evaluated: 2022-03-29. Review status: criteria provided, single submitter. Criteria: ACMG Guidelines, 2015. Collection method: clinical testing. Allele origin: germline. Affected: yes. Observed: 4 variant alleles.

Counsyl
Classification: Likely pathogenic for Usher syndrome type 2A; Retinitis pigmentosa 39. Last evaluated: 2018-01-18. Review status: no assertion criteria provided. Collection method: clinical testing. Allele origin: unknown. Not counted in ClinVar's aggregate classification.

Literature cited by the submitters: PubMed 16199547 (cited by Labcorp Genetics (formerly Invitae), Labcorp); PubMed 10729113 (cited by Labcorp Genetics (formerly Invitae), Labcorp); PubMed 10909849 (cited by Labcorp Genetics (formerly Invitae), Labcorp); PubMed 20507924 (cited by Labcorp Genetics (formerly Invitae), Labcorp); PubMed 25649381 (cited by Labcorp Genetics (formerly Invitae), Labcorp).